The following is an entry in ClinVar:

NM_000393.5(COL5A2):c.1978-6A>G

Gene: COL5A2 (collagen type V alpha 2 chain; minus strand). Cytogenetic location: 2q32.2.
Variant type: single nucleotide variant.
Coding change: c.1978-6A>G on transcript NM_000393.5 (MANE Select); 6 bases into the intron before coding-DNA position 1978, A replaced by G.
Molecular consequence: intron variant.
Genome position (GRCh38, 1-based): chr2:189,061,621, T>C on the plus strand (A>G on the coding strand, the complement: COL5A2 is on the minus strand). VCF-style: chr2-189061621-T-C. GRCh37 (hg19) VCF-style: chr2-189926347-T-C.
Identifiers: ClinVar variation 2767927 (VCV002767927.3), dbSNP rs2469290919, ClinGen allele CA2697551464.
Genomic context (GRCh38, chr2:189,061,621, plus strand): 5'-CCTGAAAACCTGTGGGGCCTGGAGGTCCTTGTTCTCCTCTTTCACCAGCTAGACCCTAAG[T>C]TGTGAAGGAGAAAATAATTGTGAATATAACCAGATCTTTGTCTGCTTCCTCTCTACGTGA-3'

ClinVar aggregate classification (germline): Uncertain significance (1 of 4 stars; one submission).

Conditions:
Ehlers-Danlos syndrome, classic type, 1 (EDSCL1). Also called: EHLERS-DANLOS SYNDROME, GRAVIS TYPE; EHLERS-DANLOS SYNDROME, SEVERE CLASSIC TYPE; Ehlers-Danlos syndrome, type 1; Ehlers-Danlos Syndrome, Classic Type, COL5A1-Related; EDS I. Identifiers: MedGen C0268335, MONDO:0019567, OMIM 130000.

Submission:

Labcorp Genetics (formerly Invitae), Labcorp
Classification: Uncertain significance for Ehlers-Danlos syndrome, classic type, 1. Last evaluated: 2023-10-13. Review status: criteria provided, single submitter. Criteria: Invitae Variant Classification Sherloc (09022015). Collection method: clinical testing. Allele origin: germline.
Comment: This sequence change falls in intron 29 of the COL5A2 gene. It does not directly change the encoded amino acid sequence of the COL5A2 protein. This variant is not present in population databases (gnomAD no frequency). This variant has not been reported in the literature in individuals affected with COL5A2-related conditions. Algorithms developed to predict the effect of sequence changes on RNA splicing suggest that this variant may disrupt the consensus splice site. In summary, the available evidence is currently insufficient to determine the role of this variant in disease. Therefore, it has been classified as a Variant of Uncertain Significance.